The following is an entry in ClinVar:

ClinVar aggregate classification (germline): Uncertain significance (1 of 4 stars; one submission).

Conditions:
Epilepsy, familial focal, with variable foci 3 (FFEVF3). Identifiers: MedGen C4310708, MONDO:0014925, OMIM 617118.

Allele frequency attached by ClinVar (database versions not stated): gnomAD below 0.00001 and 0.00001; TOPMed below 0.00001; gnomAD exomes 0.00001 and 0.00003; ExAC 0.00004.
gnomAD v4.1: 50 of 1,611,284 alleles (0.0031%); highest among the groups gnomAD compares: South Asian, 0.015%; no homozygotes.

Submission:

Labcorp Genetics (formerly Invitae), Labcorp
Classification: Uncertain significance for Epilepsy, familial focal, with variable foci 3. Last evaluated: 2022-06-24. Review status: criteria provided, single submitter. Criteria: Invitae Variant Classification Sherloc (09022015). Collection method: clinical testing. Allele origin: germline.
Comment: This variant is present in population databases (rs764927474, gnomAD 0.007%). This variant has not been reported in the literature in individuals affected with NPRL3-related conditions. ClinVar contains an entry for this variant (Variation ID: 935098). In summary, the available evidence is currently insufficient to determine the role of this variant in disease. Therefore, it has been classified as a Variant of Uncertain Significance. This sequence change replaces histidine, which is basic and polar, with tyrosine, which is neutral and polar, at codon 143 of the NPRL3 protein (p.His143Tyr).

NM_001077350.3(NPRL3):c.427C>T (p.His143Tyr)

Genes: HBA-LCR (alpha-globin locus control region; plus strand), NPRL3 (NPR3 like, GATOR1 complex subunit; minus strand). Cytogenetic location: 16p13.3.
Variant type: single nucleotide variant.
Coding change: c.427C>T on transcript NM_001077350.3 (MANE Select); coding-DNA position 427, C replaced by T.
Protein change: p.His143Tyr; replaces histidine 143 with tyrosine.
Molecular consequence: missense variant. On other transcripts: 5 prime UTR variant (1).
Genome position (GRCh38, 1-based): chr16:112,742, G>A on the plus strand (C>T on the coding strand, the complement: NPRL3 is on the minus strand). VCF-style: chr16-112742-G-A. GRCh37 (hg19) VCF-style: chr16-162741-G-A.
Other names: c.-111C>T (NM_001039476.3); c.193C>T, p.His65Tyr (NM_001243247.2); c.352C>T, p.His118Tyr (NM_001243248.2, NM_001243249.2); short protein forms H118Y, H143Y, H65Y.
Identifiers: ClinVar variation 935098 (VCV000935098.7), dbSNP rs764927474, ClinGen allele CA7769664.